The following is an entry in ClinVar:

ClinVar aggregate classification (germline): Uncertain significance (1 of 4 stars; one submission).

Submission:

Labcorp Genetics (formerly Invitae), Labcorp
Classification: Uncertain significance. Last evaluated: 2026-01-25. Review status: criteria provided, single submitter. Criteria: Invitae Variant Classification Sherloc (09022015). Collection method: clinical testing. Allele origin: germline.
Comment: This sequence change replaces proline, which is neutral and non-polar, with alanine, which is neutral and non-polar, at codon 631 of the TWNK protein (p.Pro631Ala). This variant is not present in population databases (gnomAD no frequency). This variant has not been reported in the literature in individuals affected with TWNK-related conditions. ClinVar contains an entry for this variant (Variation ID: 2818758). Invitae Evidence Modeling of protein sequence and biophysical properties (such as structural, functional, and spatial information, amino acid conservation, physicochemical variation, residue mobility, and thermodynamic stability) has been performed for this missense variant. However, the output from this modeling did not meet the statistical confidence thresholds required to predict the impact of this variant on TWNK protein function. In summary, the available evidence is currently insufficient to determine the role of this variant in disease. Therefore, it has been classified as a Variant of Uncertain Significance.

NM_021830.5(TWNK):c.1891C>G (p.Pro631Ala)

Gene: TWNK (twinkle mtDNA helicase; plus strand). Cytogenetic location: 10q24.31.
Variant type: single nucleotide variant.
Coding change: c.1891C>G on transcript NM_021830.5 (MANE Select); coding-DNA position 1891, C replaced by G.
Protein change: p.Pro631Ala; replaces proline 631 with alanine.
Molecular consequence: missense variant. On other transcripts: 3 prime UTR variant (2), non-coding transcript variant (5).
Genome position (GRCh38, 1-based): chr10:100,993,346, C>G. VCF-style: chr10-100993346-C-G. GRCh37 (hg19) VCF-style: chr10-102753103-C-G.
Other names: c.*186C>G (NM_001163812.2, NM_001163814.2); c.529C>G, p.Pro177Ala (NM_001163813.2, NM_001368275.1); short protein forms P177A, P631A.
Identifiers: ClinVar variation 2818758 (VCV002818758.3), dbSNP rs2493650795, ClinGen allele CA378212577.